The following is an entry in ClinVar:

NM_018040.5(GPATCH2):c.414G>A (p.Gly138=)

Gene: GPATCH2 (G-patch domain containing 2; minus strand). Cytogenetic location: 1q41.
Variant type: single nucleotide variant.
Coding change: c.414G>A on transcript NM_018040.5 (MANE Select); coding-DNA position 414, G replaced by A.
Protein change: p.Gly138=; no amino-acid change (glycine 138 retained).
Molecular consequence: synonymous variant.
Genome position (GRCh38, 1-based): chr1:217,620,142, C>T on the plus strand (G>A on the coding strand, the complement: GPATCH2 is on the minus strand). VCF-style: chr1-217620142-C-T. GRCh37 (hg19) VCF-style: chr1-217793484-C-T.
Other names: c.414G>A, p.Gly138= (NM_001297754.3).
Identifiers: ClinVar variation 2639900 (VCV002639900.24), dbSNP rs140815718, ClinGen allele CA1397571.

ClinVar aggregate classification (germline): Likely benign (1 of 4 stars; one submission).

Allele frequency attached by ClinVar (database versions not stated): 1000 Genomes Project 30x 0.00344; 1000 Genomes Project 0.00359; TOPMed 0.00534; gnomAD 0.00592; ExAC 0.00680; ESP Exome Variant Server 0.00753; gnomAD exomes 0.00807.
gnomAD v4.1: 12,644 of 1,614,044 alleles (0.78%); highest among the groups gnomAD compares: Non-Finnish European, 0.94%; 80 homozygotes.

Submission:

CeGaT Center for Human Genetics Tuebingen
Classification: Likely benign. Last evaluated: 2022-11-01. Review status: criteria provided, single submitter. Criteria: CeGaT Center For Human Genetics Tuebingen Variant Classification Criteria Version 2. Collection method: clinical testing. Allele origin: germline. Affected: yes. Observed: 1 variant allele.
Comment: GPATCH2: BP4, BP7, BS2